The following is an entry in ClinVar:

NM_000051.4(ATM):c.3155C>G (p.Ala1052Gly)

Gene: ATM (ATM serine/threonine kinase; plus strand). Cytogenetic location: 11q22.3.
Variant type: single nucleotide variant.
Coding change: c.3155C>G on transcript NM_000051.4 (MANE Select); coding-DNA position 3155, C replaced by G.
Protein change: p.Ala1052Gly; replaces alanine 1052 with glycine.
Molecular consequence: missense variant.
Genome position (GRCh38, 1-based): chr11:108,272,723, C>G. VCF-style: chr11-108272723-C-G. GRCh37 (hg19) VCF-style: chr11-108143450-C-G.
Other names: c.3155C>G, p.Ala1052Gly (NM_001351834.2); short protein forms A1052G.
Identifiers: ClinVar variation 1027089 (VCV001027089.6), dbSNP rs876660350, ClinGen allele CA382515484.

ClinVar aggregate classification (germline): Uncertain significance. Review status: criteria provided, multiple submitters, no conflicts (2 of 4 stars). 2 submissions from 2 submitters: Uncertain significance (2). Last evaluated 2021-09-29.

Conditions:
Ataxia-telangiectasia syndrome (AT). Also called: ATAXIA-TELANGIECTASIA, FRESNO VARIANT; Ataxia-telangiectasia, complementation group D; AT, COMPLEMENTATION GROUP C; Cerebello-oculocutaneous telangiectasia; Immunodeficiency with ataxia telangiectasia; Ataxia telangiectasia (A-T). Identifiers: Orphanet 100, MedGen C0004135, MONDO:0008840, OMIM 208900.
Hereditary cancer-predisposing syndrome. Also called: Hereditary neoplastic syndrome; Neoplastic Syndromes, Hereditary; Tumor predisposition; Hereditary Cancer Syndrome. Identifiers: Orphanet 140162, MedGen C0027672, MeSH D009386, MONDO:0015356.

Submissions (2):

Labcorp Genetics (formerly Invitae), Labcorp
Classification: Uncertain significance for Ataxia-telangiectasia syndrome. Last evaluated: 2021-09-29. Review status: criteria provided, single submitter. Criteria: Invitae Variant Classification Sherloc (09022015). Collection method: clinical testing. Allele origin: germline.
Comment: This sequence change replaces alanine with glycine at codon 1052 of the ATM protein (p.Ala1052Gly). The alanine residue is moderately conserved and there is a small physicochemical difference between alanine and glycine. This variant is not present in population databases (ExAC no frequency). This variant has not been reported in the literature in individuals affected with ATM-related conditions. Algorithms developed to predict the effect of missense changes on protein structure and function are either unavailable or do not agree on the potential impact of this missense change (SIFT: "Deleterious"; PolyPhen-2: "Benign"; Align-GVGD: "Class C0"). Algorithms developed to predict the effect of sequence changes on RNA splicing suggest that this variant may create or strengthen a splice site. In summary, the available evidence is currently insufficient to determine the role of this variant in disease. Therefore, it has been classified as a Variant of Uncertain Significance.

Ambry Genetics
Classification: Uncertain significance for Hereditary cancer-predisposing syndrome. Last evaluated: 2020-12-07. Review status: criteria provided, single submitter. Criteria: Ambry Variant Classification Scheme 2023. Collection method: clinical testing. Allele origin: germline.
Comment: The p.A1052G variant (also known as c.3155C>G), located in coding exon 21 of the ATM gene, results from a C to G substitution at nucleotide position 3155. The alanine at codon 1052 is replaced by glycine, an amino acid with similar properties. This amino acid position is not well conserved in available vertebrate species. In addition, this alteration is predicted to be tolerated by in silico analysis. Since supporting evidence is limited at this time, the clinical significance of this alteration remains unclear.